The following is an entry in ClinVar:

ClinVar aggregate classification (germline): Uncertain significance (1 of 4 stars; one submission).

Submission:

Greenwood Genetic Center Diagnostic Laboratories, Greenwood Genetic Center
Classification: Uncertain significance. Last evaluated: 2024-11-05. Review status: criteria provided, single submitter. Criteria: ACMG Guidelines, 2015. Collection method: clinical testing. Allele origin: germline. Affected: yes.
Comment: PM2, BP4

NM_005994.4(TBX2):c.1489A>G (p.Thr497Ala)

Gene: TBX2 (T-box transcription factor 2; plus strand). Cytogenetic location: 17q23.2.
Variant type: single nucleotide variant.
Coding change: c.1489A>G on transcript NM_005994.4 (MANE Select); coding-DNA position 1489, A replaced by G.
Protein change: p.Thr497Ala; replaces threonine 497 with alanine.
Molecular consequence: missense variant.
Genome position (GRCh38, 1-based): chr17:61,405,639, A>G. VCF-style: chr17-61405639-A-G. GRCh37 (hg19) VCF-style: chr17-59483000-A-G.
Other names: short protein forms T497A.
Identifiers: ClinVar variation 3765748 (VCV003765748.1).